The following is an entry in ClinVar:

ClinVar aggregate classification (germline): Uncertain significance. Review status: criteria provided, multiple submitters, no conflicts (2 of 4 stars). 3 submissions from 3 submitters: Uncertain significance (2). 1 of the submissions does not count toward it. Last evaluated 2025-08-13.

Conditions:
Spastic paraplegia. Identifiers: MedGen C0037772, HP:0001258.
Inborn genetic diseases. Identifiers: MedGen C0950123, MeSH D030342.
Charlevoix-Saguenay spastic ataxia (SACS). Also called: SPASTIC ATAXIA 6, AUTOSOMAL RECESSIVE; AUTOSOMAL RECESSIVE SPASTIC ATAXIA OF CHARLEVOIX-SAGUENAY; Spastic ataxia of Charlevoix-Saguenay. Identifiers: Orphanet 98, MedGen C1849140, MONDO:0010041, OMIM 270550.

Allele frequency attached by ClinVar (database versions not stated): gnomAD exomes below 0.00001; TOPMed below 0.00001; gnomAD 0.00001.
gnomAD v4.1: 2 of 1,613,930 alleles (0.00012%); highest among the groups gnomAD compares: Admixed American, 0.0017%; no homozygotes.

Submissions (3):

Ambry Genetics
Classification: Uncertain significance for Inborn genetic diseases. Last evaluated: 2025-08-13. Review status: criteria provided, single submitter. Criteria: Ambry Variant Classification Scheme 2023. Collection method: clinical testing. Allele origin: germline.

Labcorp Genetics (formerly Invitae), Labcorp
Classification: Uncertain significance for Spastic paraplegia. Last evaluated: 2021-09-01. Review status: criteria provided, single submitter. Criteria: Invitae Variant Classification Sherloc (09022015). Collection method: clinical testing. Allele origin: germline.
Comment: This sequence change replaces aspartic acid with valine at codon 3913 of the SACS protein (p.Asp3913Val). The aspartic acid residue is moderately conserved and there is a large physicochemical difference between aspartic acid and valine. This variant is not present in population databases (ExAC no frequency). This variant has not been reported in the literature in individuals affected with SACS-related conditions. Algorithms developed to predict the effect of missense changes on protein structure and function are either unavailable or do not agree on the potential impact of this missense change (SIFT: "Deleterious"; PolyPhen-2: "Possibly Damaging"; Align-GVGD: "Class C0"). Algorithms developed to predict the effect of sequence changes on RNA splicing suggest that this variant may create or strengthen a splice site. In summary, the available evidence is currently insufficient to determine the role of this variant in disease. Therefore, it has been classified as a Variant of Uncertain Significance.

Natera, Inc.
Classification: Uncertain significance for Charlevoix-Saguenay type spastic ataxia. Last evaluated: 2021-03-23. Review status: no assertion criteria provided. Collection method: clinical testing. Allele origin: germline. Not counted in ClinVar's aggregate classification.

NM_014363.6(SACS):c.11738A>T (p.Asp3913Val)

Gene: SACS (sacsin molecular chaperone; minus strand). Cytogenetic location: 13q12.12.
Variant type: single nucleotide variant.
Coding change: c.11738A>T on transcript NM_014363.6 (MANE Select); coding-DNA position 11738, A replaced by T.
Protein change: p.Asp3913Val; replaces aspartic acid 3913 with valine.
Molecular consequence: missense variant.
Genome position (GRCh38, 1-based): chr13:23,332,138, T>A on the plus strand (A>T on the coding strand, the complement: SACS is on the minus strand). VCF-style: chr13-23332138-T-A. GRCh37 (hg19) VCF-style: chr13-23906277-T-A.
Other names: c.11297A>T, p.Asp3766Val (NM_001278055.2); c.11738A>T (NM_014363.4); short protein forms D3766V, D3913V.
Identifiers: ClinVar variation 658660 (VCV000658660.8), dbSNP rs1236705431, ClinGen allele CA387509322.